The following is an entry in ClinVar:

NM_173477.5(USH1G):c.1016dup (p.Ala341fs)

Gene: USH1G (USH1 protein network component sans; minus strand). Cytogenetic location: 17q25.1.
Variant type: Duplication.
Coding change: c.1016dup on transcript NM_173477.5 (MANE Select); coding-DNA position 1016, one base duplicated (T; older notation c.1016dupT).
Protein change: p.Ala341fs; shifts the reading frame from alanine 341.
Molecular consequence: frameshift variant.
Genome position (GRCh38, 1-based): chr17:74,919,820, A duplicated on the plus strand (T on the coding strand, the reverse complement: USH1G is on the minus strand). VCF-style (leftmost placement, unchanged base first): chr17-74919819-C-CA. GRCh37 (hg19) VCF-style: chr17-72915914-C-CA.
Other names: c.707dup, p.Ala238fs (NM_001282489.3); short protein forms A238fs, A341fs.
Identifiers: ClinVar variation 1216382 (VCV001216382.3), dbSNP rs2144752958, ClinGen allele CA2499224916.
Genomic context (GRCh38, chr17:74,919,819, plus strand): 5'-ACTGCCCAGGCTGTCATCGTCCAGGCTGGGGGAGCTCTGCAGCCGACCCCGCGGCGCTCC[C>CA]ACCCCATCCAGACCCCCATCCTCGCGGCCCAGTCCGTGCAGCCCACTGCTCAAGTAATTT-3'

ClinVar aggregate classification (germline): Pathogenic (1 of 4 stars; one submission).

Submission:

GeneDx
Classification: Pathogenic. Last evaluated: 2019-11-18. Review status: criteria provided, single submitter. Criteria: GeneDx Variant Classification Process June 2021. Collection method: clinical testing. Allele origin: germline. Affected: yes.
Comment: Frameshift variant predicted to result in protein truncation or nonsense mediated decay in a gene for which loss-of-function is a known mechanism of disease; Not observed in large population cohorts (Lek et al., 2016); Has not been previously published as pathogenic or benign to our knowledge